The following is an entry in ClinVar:

ClinVar aggregate classification (germline): Benign. Review status: criteria provided, multiple submitters, no conflicts (2 of 4 stars). 2 submissions from 2 submitters: Benign (2). Last evaluated 2018-06-19.

Allele frequency attached by ClinVar (database versions not stated): gnomAD 0.06958 and 0.07336; 1000 Genomes Project 0.08287; 1000 Genomes Project 30x 0.08526; TOPMed 0.07791; gnomAD exomes 0.01828.

Submissions (2):

GeneDx
Classification: Benign. Last evaluated: 2018-06-19. Review status: criteria provided, single submitter. Criteria: GeneDx Variant Classification (06012015). Collection method: clinical testing. Allele origin: germline. Affected: yes.
Comment: This variant is considered likely benign or benign based on one or more of the following criteria: it is a conservative change, it occurs at a poorly conserved position in the protein, it is predicted to be benign by multiple in silico algorithms, and/or has population frequency not consistent with disease.

Breakthrough Genomics
Classification: Benign. Review status: criteria provided, single submitter. Criteria: ACMG Guidelines, 2015. Collection method: not provided. Allele origin: germline. Inheritance: Autosomal recessive inheritance. Affected: yes.

NM_000391.3(TPP1):c.-122T>C

Gene: TPP1 (tripeptidyl peptidase 1; minus strand). Cytogenetic location: 11p15.4.
Variant type: single nucleotide variant.
Coding change: c.-122T>C on transcript NM_000391.3; 122 bases upstream of the start codon, T replaced by C.
Genome position (GRCh38, 1-based): chr11:6,619,522, A>G on the plus strand (T>C on the coding strand, the complement: TPP1 is on the minus strand). VCF-style: chr11-6619522-A-G. GRCh37 (hg19) VCF-style: chr11-6640753-A-G.
Identifiers: ClinVar variation 673216 (VCV000673216.4), dbSNP rs1800732, ClinGen allele CA13527874.